The following is an entry in ClinVar:

ClinVar aggregate classification (germline): Likely benign (1 of 4 stars; one submission).

Submission:

CeGaT Center for Human Genetics Tuebingen
Classification: Likely benign. Last evaluated: 2023-05-01. Review status: criteria provided, single submitter. Criteria: CeGaT Center For Human Genetics Tuebingen Variant Classification Criteria Version 2. Collection method: clinical testing. Allele origin: germline. Affected: yes. Observed: 1 variant allele.
Comment: CARMIL2: PM2:Supporting, BP4, BP7

NM_001013838.3(CARMIL2):c.489G>A (p.Glu163=)

Gene: CARMIL2 (capping protein regulator and myosin 1 linker 2; plus strand). Cytogenetic location: 16q22.1.
Variant type: single nucleotide variant.
Coding change: c.489G>A on transcript NM_001013838.3 (MANE Select); coding-DNA position 489, G replaced by A.
Protein change: p.Glu163=; no amino-acid change (glutamic acid 163 retained).
Molecular consequence: synonymous variant.
Genome position (GRCh38, 1-based): chr16:67,646,736, G>A. VCF-style: chr16-67646736-G-A. GRCh37 (hg19) VCF-style: chr16-67680639-G-A.
Other names: c.489G>A, p.Glu163= (NM_001317026.3).
Identifiers: ClinVar variation 2646631 (VCV002646631.24), dbSNP rs1366539617, ClinGen allele CA496085551.